The following is an entry in ClinVar:

ClinVar aggregate classification (germline): Uncertain significance. Review status: criteria provided, multiple submitters, no conflicts (2 of 4 stars). 3 submissions from 3 submitters: Uncertain significance (2). 1 of the submissions does not count toward it. Last evaluated 2024-07-14.

Conditions:
Inborn genetic diseases. Identifiers: MedGen C0950123, MeSH D030342.
Curry-Hall syndrome (WAD). Also called: WEYERS ACRODENTAL DYSOSTOSIS. Identifiers: Orphanet 952, MedGen C0457013, MONDO:0008673, OMIM 193530.
Ellis-van Creveld syndrome (EVC). Also called: EVC-Related Ellis-van Creveld Syndrome; EVC2-Related Ellis-van Creveld Syndrome; MESOECTODERMAL DYSPLASIA; Chondroectodermal dysplasia. Identifiers: Orphanet 289, MedGen C0013903, MONDO:0009162, OMIM 225500.

Allele frequency attached by ClinVar (database versions not stated): ExAC 0.00007; gnomAD exomes 0.00008 and 0.00043; gnomAD 0.00009 and 0.00010; TOPMed 0.00012; ESP Exome Variant Server 0.00031.
gnomAD v4.1: 622 of 1,614,000 alleles (0.039%); highest among the groups gnomAD compares: Non-Finnish European, 0.052%; no homozygotes.

Submissions (3):

Ambry Genetics
Classification: Uncertain significance for Inborn genetic diseases. Last evaluated: 2024-07-14. Review status: criteria provided, single submitter. Criteria: Ambry Variant Classification Scheme 2023. Collection method: clinical testing. Allele origin: germline.

Labcorp Genetics (formerly Invitae), Labcorp
Classification: Uncertain significance for Curry-Hall syndrome; Ellis-van Creveld syndrome. Last evaluated: 2024-03-29. Review status: criteria provided, single submitter. Criteria: Invitae Variant Classification Sherloc (09022015). Collection method: clinical testing. Allele origin: germline.
Comment: This sequence change replaces tryptophan, which is neutral and slightly polar, with arginine, which is basic and polar, at codon 337 of the EVC2 protein (p.Trp337Arg). This variant is present in population databases (rs201555920, gnomAD 0.02%). This variant has not been reported in the literature in individuals affected with EVC2-related conditions. ClinVar contains an entry for this variant (Variation ID: 663968). Algorithms developed to predict the effect of missense changes on protein structure and function output the following: SIFT: "Not Available"; PolyPhen-2: "Benign"; Align-GVGD: "Not Available". The arginine amino acid residue is found in multiple mammalian species, which suggests that this missense change does not adversely affect protein function. In summary, the available evidence is currently insufficient to determine the role of this variant in disease. Therefore, it has been classified as a Variant of Uncertain Significance.

Department of Pathology and Laboratory Medicine, Sinai Health System
Classification: Uncertain significance. Review status: no assertion criteria provided. Collection method: clinical testing. Allele origin: unknown. Affected: yes. Study: The Canadian Open Genetics Repository (COGR). Not counted in ClinVar's aggregate classification.
Comment: The EVC2 p.Trp337Arg variant was not identified in the literature but was identified in dbSNP (ID: rs201555920), ClinVar (classified as uncertain significance by Invitae), and LOVD 3.0 (variant effect not shared). The variant was identified in control databases in 21 of 282890 chromosomes at a frequency of 0.00007423 (Genome Aggregation Database March 6, 2019, v2.1.1). The variant was observed in the European (non-Finnish) population in 21 of 129192 chromosomes (freq: 0.000163), but was not observed in the African, Latino, Ashkenazi Jewish, East Asian, European (Finnish), Other, or South Asian populations. The p.Trp337 residue is not conserved in mammals and computational analyses (PolyPhen-2, SIFT, AlignGVGD, BLOSUM, MutationTaster) do not suggest a high likelihood of impact to the protein; however, this information is not predictive enough to rule out pathogenicity. The variant occurs outside of the splicing consensus sequence and 2 of 4 in silico or computational prediction software programs (SpliceSiteFinder, MaxEntScan, NNSPLICE, GeneSplicer) predict a greater than 10% difference in splicing; this is not very predictive of pathogenicity. In summary, based on the above information the clinical significance of this variant cannot be determined with certainty at this time. This variant is classified as a variant of uncertain significance.

NM_147127.5(EVC2):c.1009T>A (p.Trp337Arg)

Gene: EVC2 (EvC ciliary complex subunit 2; minus strand). Cytogenetic location: 4p16.2.
Variant type: single nucleotide variant.
Coding change: c.1009T>A on transcript NM_147127.5 (MANE Select); coding-DNA position 1009, T replaced by A.
Protein change: p.Trp337Arg; replaces tryptophan 337 with arginine.
Molecular consequence: missense variant.
Genome position (GRCh38, 1-based): chr4:5,663,243, A>T on the plus strand (T>A on the coding strand, the complement: EVC2 is on the minus strand). VCF-style: chr4-5663243-A-T. GRCh37 (hg19) VCF-style: chr4-5664970-A-T.
Other names: c.769T>A, p.Trp257Arg (NM_001166136.2); short protein forms W257R, W337R.
Identifiers: ClinVar variation 663968 (VCV000663968.8), dbSNP rs201555920, ClinGen allele CA2835178.